The following is an entry in ClinVar:

ClinVar aggregate classification (germline): Uncertain significance (1 of 4 stars; one submission).

Conditions:
Hereditary cancer-predisposing syndrome. Also called: Neoplastic Syndromes, Hereditary; Tumor predisposition; Hereditary Cancer Syndrome; Hereditary neoplastic syndrome. Identifiers: Orphanet 140162, MedGen C0027672, MeSH D009386, MONDO:0015356.

Submission:

Ambry Genetics
Classification: Uncertain significance for Hereditary cancer-predisposing syndrome. Last evaluated: 2026-07-30. Review status: criteria provided, single submitter. Criteria: Ambry Variant Classification Scheme 2023. Collection method: clinical testing. Allele origin: germline.
Comment: The p.C183* variant (also known as c.549T>A), located in coding exon 1 of the HOXB13 gene, results from a T to A substitution at nucleotide position 549. This changes the amino acid from a cysteine to a stop codon within coding exon 1. This variant occurs at the 3' terminus of the gene and is not expected to trigger nonsense-mediated mRNA decay. Based on the available evidence, the clinical significance of this variant remains unclear.

NM_006361.6(HOXB13):c.549T>A (p.Cys183Ter)

Gene: HOXB13 (homeobox B13; minus strand). Cytogenetic location: 17q21.32.
Variant type: single nucleotide variant.
Coding change: c.549T>A on transcript NM_006361.6 (MANE Select); coding-DNA position 549, T replaced by A.
Protein change: p.Cys183Ter; replaces cysteine 183 with a stop codon.
Molecular consequence: nonsense.
Genome position (GRCh38, 1-based): chr17:48,728,045, A>T on the plus strand (T>A on the coding strand, the complement: HOXB13 is on the minus strand). VCF-style: chr17-48728045-A-T. GRCh37 (hg19) VCF-style: chr17-46805407-A-T.
Other names: short protein forms C183*.
Identifiers: ClinVar variation 4271779 (VCV004271779.2).